The following is an entry in ClinVar:

NM_020911.2(PLXNA4):c.-1C>T

Gene: PLXNA4 (plexin A4; minus strand). Cytogenetic location: 7q32.3.
Variant type: single nucleotide variant.
Coding change: c.-1C>T on transcript NM_020911.2 (MANE Select); 1 bases upstream of the start codon, C replaced by T.
Molecular consequence: 5 prime UTR variant.
Genome position (GRCh38, 1-based): chr7:132,508,694, G>A on the plus strand (C>T on the coding strand, the complement: PLXNA4 is on the minus strand). VCF-style: chr7-132508694-G-A. GRCh37 (hg19) VCF-style: chr7-132193453-G-A.
Other names: c.-1C>T (NM_001105543.2, NM_001393897.1, NM_181775.4).
Identifiers: ClinVar variation 3355715 (VCV003355715.1).

ClinVar aggregate classification (germline): Likely benign (0 of 4 stars; one submission).

Conditions:
PLXNA4-related disorder. Also called: PLXNA4-related condition.

gnomAD v4.1: 1 of 1,501,722 alleles (0.000067%); highest among the groups gnomAD compares: African/African-American, 0.0014%; no homozygotes.

Submission:

PreventionGenetics, part of Exact Sciences
Classification: Likely benign for PLXNA4-related condition. Last evaluated: 2022-07-25. Review status: no assertion criteria provided. Collection method: clinical testing. Allele origin: germline.
Comment: This variant is classified as likely benign based on ACMG/AMP sequence variant interpretation guidelines (Richards et al. 2015 PMID: 25741868, with internal and published modifications).